The following is an entry in ClinVar:

ClinVar aggregate classification (germline): Uncertain significance. Review status: criteria provided, multiple submitters, no conflicts (2 of 4 stars). 3 submissions from 3 submitters: Uncertain significance (3). Last evaluated 2025-11-18.

Conditions:
Charcot-Marie-Tooth disease dominant intermediate B (CMTDIB). Also called: CHARCOT-MARIE-TOOTH NEUROPATHY, DOMINANT INTERMEDIATE B; Charcot-Marie-Tooth disease dominant intermediate 1; CMT DI1; Charcot-Marie-Tooth disease dominant intermediate I. Identifiers: Orphanet 100044, Orphanet 228179, MedGen C1847902, MONDO:0011674, OMIM 606482.

Allele frequency attached by ClinVar (database versions not stated): gnomAD exomes below 0.00001; TOPMed below 0.00001.
gnomAD v4.1: 3 of 1,613,864 alleles (0.00019%); highest among the groups gnomAD compares: Non-Finnish European, 0.00017%; no homozygotes.

Submissions (3):

Women's Health and Genetics/Laboratory Corporation of America, LabCorp
Classification: Uncertain significance. Last evaluated: 2025-11-18. Review status: criteria provided, single submitter. Criteria: LabCorp Variant Classification Summary - May 2015. Collection method: clinical testing. Allele origin: germline.
Comment: Variant summary: DNM2 c.2161G>A (p.Asp721Asn) results in a conservative amino acid change in the encoded protein sequence. Algorithms developed to predict the effect of missense changes on protein structure and function are either unavailable or do not agree on the potential impact of this missense change. The variant was absent in 250370 control chromosomes (gnomAD). The available data on variant occurrences in the general population are insufficient to allow any conclusion about variant significance. To our knowledge, no occurrence of c.2161G>A in individuals affected with DNM2-related conditions and no experimental evidence demonstrating its impact on protein function have been reported. ClinVar contains an entry for this variant (Variation ID: 846839). Based on the evidence outlined above, the variant was classified as uncertain significance.

Mayo Clinic Laboratories, Mayo Clinic
Classification: Uncertain significance. Last evaluated: 2024-01-19. Review status: criteria provided, single submitter. Criteria: ACMG Guidelines, 2015. Collection method: clinical testing. Allele origin: germline. Observed: 1 variant allele.

Labcorp Genetics (formerly Invitae), Labcorp
Classification: Uncertain significance for Charcot-Marie-Tooth disease dominant intermediate B. Last evaluated: 2023-10-25. Review status: criteria provided, single submitter. Criteria: Invitae Variant Classification Sherloc (09022015). Collection method: clinical testing. Allele origin: germline.
Comment: This sequence change replaces aspartic acid, which is acidic and polar, with asparagine, which is neutral and polar, at codon 721 of the DNM2 protein (p.Asp721Asn). This variant is not present in population databases (gnomAD no frequency). This variant has not been reported in the literature in individuals affected with DNM2-related conditions. ClinVar contains an entry for this variant (Variation ID: 846839). Advanced modeling of protein sequence and biophysical properties (such as structural, functional, and spatial information, amino acid conservation, physicochemical variation, residue mobility, and thermodynamic stability) has been performed at Invitae for this missense variant, however the output from this modeling did not meet the statistical confidence thresholds required to predict the impact of this variant on DNM2 protein function. In summary, the available evidence is currently insufficient to determine the role of this variant in disease. Therefore, it has been classified as a Variant of Uncertain Significance.

NM_001005361.3(DNM2):c.2161G>A (p.Asp721Asn)

Gene: DNM2 (dynamin 2; plus strand). Cytogenetic location: 19p13.2.
Variant type: single nucleotide variant.
Coding change: c.2161G>A on transcript NM_001005361.3 (MANE Select); coding-DNA position 2161, G replaced by A.
Protein change: p.Asp721Asn; replaces aspartic acid 721 with asparagine.
Molecular consequence: missense variant.
Genome position (GRCh38, 1-based): chr19:10,829,138, G>A. VCF-style: chr19-10829138-G-A. GRCh37 (hg19) VCF-style: chr19-10939814-G-A.
Other names: p.Asp721Asn; c.2161G>A, p.Asp721Asn (NM_001005360.3, NM_001190716.2); c.2149G>A, p.Asp717Asn (NM_001005362.3, NM_004945.4); short protein forms D717N, D721N.
Identifiers: ClinVar variation 846839 (VCV000846839.11), dbSNP rs1012446714, ClinGen allele CA404042866.